The following is an entry in ClinVar:

NM_024105.4(ALG12):c.*280G>A

Gene: ALG12 (ALG12 alpha-1,6-mannosyltransferase; minus strand). Cytogenetic location: 22q13.33.
Variant type: single nucleotide variant.
Coding change: c.*280G>A on transcript NM_024105.4 (MANE Select); 280 bases downstream of the stop codon, G replaced by A.
Molecular consequence: 3 prime UTR variant.
Genome position (GRCh38, 1-based): chr22:49,903,558, C>T on the plus strand (G>A on the coding strand, the complement: ALG12 is on the minus strand). VCF-style: chr22-49903558-C-T. GRCh37 (hg19) VCF-style: chr22-50297206-C-T.
Identifiers: ClinVar variation 342034 (VCV000342034.6), dbSNP rs116765369, ClinGen allele CA10300171.

ClinVar aggregate classification (germline): Benign. Review status: criteria provided, multiple submitters, no conflicts (2 of 4 stars). 2 submissions from 2 submitters: Benign (2). Last evaluated 2021-06-19.

Conditions:
ALG12-congenital disorder of glycosylation (CDG1G). Also called: CDG Ig; Congenital disorder of glycosylation, type Ig; ALG12-CDG. Identifiers: Orphanet 79324, MedGen C2931001, MONDO:0011783, OMIM 607143.

Allele frequency attached by ClinVar (database versions not stated): ExAC 0.00282; gnomAD exomes 0.00287 and 0.00463; gnomAD 0.02121 and 0.02266; TOPMed 0.02415; 1000 Genomes Project 0.02855; 1000 Genomes Project 30x 0.02889.
gnomAD v4.1: 4,605 of 622,026 alleles (0.74%); highest among the groups gnomAD compares: African/African-American, 7.2%; 158 homozygotes.

Submissions (2):

GeneDx
Classification: Benign. Last evaluated: 2021-06-19. Review status: criteria provided, single submitter. Criteria: GeneDx Variant Classification Process June 2021. Collection method: clinical testing. Allele origin: germline. Affected: yes.

Illumina Laboratory Services, Illumina
Classification: Benign for ALG12-congenital disorder of glycosylation. Last evaluated: 2018-01-13. Review status: criteria provided, single submitter. Criteria: ICSL Variant Classification Criteria 13 December 2019. Collection method: clinical testing. Allele origin: germline.
Comment: This variant was observed in the ICSL laboratory as part of a predisposition screen in an ostensibly healthy population. It had not been previously curated by ICSL or reported in the Human Gene Mutation Database (HGMD: prior to June 1st, 2018), and was therefore a candidate for classification through an automated scoring system. Utilizing variant allele frequency, disease prevalence and penetrance estimates, and inheritance mode, an automated score was calculated to assess if this variant is too frequent to cause the disease. Based on the score and internal cut-off values, a variant classified as benign is not then subjected to further curation. The score for this variant resulted in a classification of benign for this disease.